The following is an entry in ClinVar:

NM_018136.5(ASPM):c.8819A>G (p.Gln2940Arg)

Gene: ASPM (assembly factor for spindle microtubules; minus strand). Cytogenetic location: 1q31.3.
Variant type: single nucleotide variant.
Coding change: c.8819A>G on transcript NM_018136.5 (MANE Select); coding-DNA position 8819, A replaced by G.
Protein change: p.Gln2940Arg; replaces glutamine 2940 with arginine.
Molecular consequence: missense variant. On other transcripts: intron variant (1).
Genome position (GRCh38, 1-based): chr1:197,100,432, T>C on the plus strand (A>G on the coding strand, the complement: ASPM is on the minus strand). VCF-style: chr1-197100432-T-C. GRCh37 (hg19) VCF-style: chr1-197069562-T-C.
Other names: c.4066-4268A>G (NM_001206846.2); short protein forms Q2940R.
Identifiers: ClinVar variation 2369840 (VCV002369840.2), dbSNP rs761920265, ClinGen allele CA1309150.

ClinVar aggregate classification (germline): Uncertain significance (1 of 4 stars; one submission).

Conditions:
Inborn genetic diseases. Identifiers: MedGen C0950123, MeSH D030342.

Allele frequency attached by ClinVar (database versions not stated): TOPMed below 0.00001; ExAC 0.00002; gnomAD exomes 0.00009.
gnomAD v4.1: 117 of 1,509,432 alleles (0.0078%); highest among the groups gnomAD compares: Non-Finnish European, 0.01%; no homozygotes.

Submission:

Ambry Genetics
Classification: Uncertain significance for Inborn genetic diseases. Last evaluated: 2021-01-26. Review status: criteria provided, single submitter. Criteria: Ambry Variant Classification Scheme 2023. Collection method: clinical testing. Allele origin: germline.
Comment: The c.8819A>G (p.Q2940R) alteration is located in exon 18 (coding exon 18) of the ASPM gene. This alteration results from a A to G substitution at nucleotide position 8819, causing the glutamine (Q) at amino acid position 2940 to be replaced by an arginine (R). The p.Q2940R alteration is predicted to be tolerated by in silico analysis. Based on insufficient or conflicting evidence, the clinical significance of this alteration remains unclear.